The following is an entry in ClinVar:

ClinVar aggregate classification (germline): Uncertain significance (1 of 4 stars; one submission).

Conditions:
MEGF8-related Carpenter syndrome. Also called: Carpenter syndrome 2. Identifiers: Orphanet 65759, MedGen C3554247, MONDO:0013998, OMIM 614976.

Allele frequency attached by ClinVar (database versions not stated): gnomAD exomes below 0.00001; ExAC 0.00001.

Submission:

Labcorp Genetics (formerly Invitae), Labcorp
Classification: Uncertain significance for MEGF8-related Carpenter syndrome. Last evaluated: 2024-10-22. Review status: criteria provided, single submitter. Criteria: Invitae Variant Classification Sherloc (09022015). Collection method: clinical testing. Allele origin: germline.
Comment: This sequence change replaces glutamic acid, which is acidic and polar, with lysine, which is basic and polar, at codon 2124 of the MEGF8 protein (p.Glu2124Lys). This variant is present in population databases (rs760913754, gnomAD 0.007%). This variant has not been reported in the literature in individuals affected with MEGF8-related conditions. ClinVar contains an entry for this variant (Variation ID: 1427494). An algorithm developed to predict the effect of missense changes on protein structure and function (PolyPhen-2) suggests that this variant¬†is likely to be tolerated. In summary, the available evidence is currently insufficient to determine the role of this variant in disease. Therefore, it has been classified as a Variant of Uncertain Significance.

NM_001271938.2(MEGF8):c.6571G>A (p.Glu2191Lys)

Gene: MEGF8 (multiple EGF like domains 8; plus strand). Cytogenetic location: 19q13.2.
Variant type: single nucleotide variant.
Coding change: c.6571G>A on transcript NM_001271938.2 (MANE Select); coding-DNA position 6571, G replaced by A.
Protein change: p.Glu2191Lys; replaces glutamic acid 2191 with lysine.
Molecular consequence: missense variant.
Genome position (GRCh38, 1-based): chr19:42,368,932, G>A. VCF-style: chr19-42368932-G-A. GRCh37 (hg19) VCF-style: chr19-42873084-G-A.
Other names: c.6370G>A, p.Glu2124Lys (NM_001410.3); short protein forms E2124K, E2191K.
Identifiers: ClinVar variation 1427494 (VCV001427494.4), dbSNP rs760913754, ClinGen allele CA9475906.